The following is an entry in ClinVar:

ClinVar aggregate classification (germline): Benign/Likely benign. Review status: criteria provided, multiple submitters, no conflicts (2 of 4 stars). 22 submissions from 22 submitters: Benign (14); Likely benign (1). 7 of the submissions do not count toward it. Last evaluated 2026-09-01.

Conditions:
Hereditary cancer-predisposing syndrome. Also called: Neoplastic Syndromes, Hereditary; Tumor predisposition; Hereditary Cancer Syndrome; Hereditary neoplastic syndrome. Identifiers: Orphanet 140162, MedGen C0027672, MeSH D009386, MONDO:0015356.
Colorectal cancer, susceptibility to, 12 (CRCS12). Also called: COLORECTAL CANCER, SUSCEPTIBILITY TO, ON CHROMOSOME 12q24. Identifiers: Orphanet 220460, MedGen C3554460, MONDO:0014038, OMIM 615083.

Allele frequency attached by ClinVar (database versions not stated): 1000 Genomes Project 0.00779; 1000 Genomes Project 30x 0.00843; TOPMed 0.01015; ESP Exome Variant Server 0.01153.
gnomAD v4.1: 23,624 of 1,612,464 alleles (1.5%); highest among the groups gnomAD compares: Non-Finnish European, 1.6%; 156 homozygotes.

Submissions (22):

CeGaT Center for Human Genetics Tuebingen
Classification: Benign. Last evaluated: 2026-09-01. Review status: criteria provided, single submitter. Criteria: CeGaT Center For Human Genetics Tuebingen Variant Classification Criteria Version 2. Collection method: clinical testing. Allele origin: germline. Affected: yes. Observed: 138 variant alleles.
Comment: POLE: BS1, BS2

Institute for Biomarker Research, Medical Diagnostic Laboratories, L.L.C.
Classification: Benign for Hereditary cancer-predisposing syndrome. Last evaluated: 2026-04-07. Review status: criteria provided, single submitter. Criteria: ACMG Guidelines, 2015. Collection method: clinical testing. Allele origin: germline.
Comment: The missense variant NM_006231.4(POLE):c.2083T>A (p.Phe695Ile) has been reported to ClinVar as Benign with a status of (2 stars) criteria provided, multiple submitters, no conflicts (Accession: VCV000221179.67). The variant is observed in one or more well-documented healthy adults. The p.Phe695Ile variant is observed in 192/9,966 (1.9266%) alleles from individuals of gnomAD Ashkenazi Jewish background in gnomAD.There is a small physicochemical difference between phenylalanine and isoleucine, which is not likely to impact secondary protein structure as these residues share similar propertiesThe nucleotide c.2083 in POLE is predicted conserved by GERP++ and PhyloP across 100 vertebrates. For these reasons, this variant has been classified as Benign.

Labcorp Genetics (formerly Invitae), Labcorp
Classification: Benign. Last evaluated: 2026-02-04. Review status: criteria provided, single submitter. Criteria: Invitae Variant Classification Sherloc (09022015). Collection method: clinical testing. Allele origin: germline.

Mayo Clinic Laboratories, Mayo Clinic
Classification: Benign. Last evaluated: 2025-08-12. Review status: criteria provided, single submitter. Criteria: ACMG Guidelines, 2015. Collection method: clinical testing. Allele origin: germline. Observed: 20 variant alleles.
Comment: BS1, BS2

ARUP Laboratories, Molecular Genetics and Genomics, ARUP Laboratories
Classification: Benign. Last evaluated: 2025-07-18. Review status: criteria provided, single submitter. Criteria: ARUP Molecular Germline Variant Investigation Process 2024. Collection method: clinical testing. Allele origin: germline.

Center for Genomic Medicine, Rigshospitalet, Copenhagen University Hospital
Classification: Benign. Last evaluated: 2025-03-04. Review status: criteria provided, single submitter. Criteria: ACMG Guidelines, 2015. Collection method: clinical testing. Allele origin: germline.

Blueprint Genetics
Classification: Likely benign. Last evaluated: 2024-11-27. Review status: criteria provided, single submitter. Criteria: ACMG Guidelines, 2015. Collection method: clinical testing. Allele origin: germline.

KCCC/NGS Laboratory, Kuwait Cancer Control Center
Classification: Benign for Colorectal cancer, susceptibility to, 12. Last evaluated: 2023-07-07. Review status: criteria provided, single submitter. Criteria: ACMG Guidelines, 2015. Collection method: clinical testing. Allele origin: germline. Affected: yes.

Quest Diagnostics Nichols Institute San Juan Capistrano
Classification: Benign. Last evaluated: 2017-06-21. Review status: criteria provided, single submitter. Criteria: Quest Diagnostics criteria. Collection method: clinical testing. Allele origin: unknown.

PreventionGenetics, part of Exact Sciences
Classification: Benign. Last evaluated: 2016-12-12. Review status: criteria provided, single submitter. Criteria: ACMG Guidelines, 2015. Collection method: clinical testing. Allele origin: germline.

Women's Health and Genetics/Laboratory Corporation of America, LabCorp
Classification: Benign. Last evaluated: 2016-05-24. Review status: criteria provided, single submitter. Criteria: LabCorp Variant Classification Summary - May 2015. Collection method: clinical testing. Allele origin: germline.
Comment: Variant summary: The POLE c.2083T>A (p.Phe695Ile) variant involves the alteration of a conserved nucleotide. 2/4 in silico tools predict a benign outcome (SNPs&GO not captured due to low reliability index). This variant was found in 1301/118614 control chromosomes (12 homozygotes) at a frequency of 0.0109684, which is approximately 772 times the estimated maximal expected allele frequency of a pathogenic POLE variant (0.0000142), suggesting this variant is likely a benign polymorphism. In addition, multiple clinical diagnostic laboratories classified this variant as benign. Taken together, this variant is classified as benign.

Vantari Genetics
Classification: Benign for Hereditary cancer-predisposing syndrome. Last evaluated: 2015-12-01. Review status: criteria provided, single submitter. Criteria: ACMG Guidelines, 2015. Collection method: clinical testing. Allele origin: germline.

GeneDx
Classification: Benign. Last evaluated: 2015-11-11. Review status: criteria provided, single submitter. Criteria: GeneDx Variant Classification (06012015). Collection method: clinical testing. Allele origin: germline. Affected: yes.
Comment: This variant is considered likely benign or benign based on one or more of the following criteria: it is a conservative change, it occurs at a poorly conserved position in the protein, it is predicted to be benign by multiple in silico algorithms, and/or has population frequency not consistent with disease.

Ambry Genetics
Classification: Benign for Hereditary cancer-predisposing syndrome. Last evaluated: 2015-06-01. Review status: criteria provided, single submitter. Criteria: Ambry Variant Classification Scheme 2023. Collection method: clinical testing. Allele origin: germline.

Breakthrough Genomics
Classification: Benign. Review status: criteria provided, single submitter. Criteria: ACMG Guidelines, 2015. Collection method: not provided. Allele origin: germline. Inheritance: Autosomal recessive inheritance. Affected: yes.

True Health Diagnostics
Classification: Likely benign for Hereditary cancer-predisposing syndrome. Last evaluated: 2017-12-29. Review status: no assertion criteria provided. Collection method: clinical testing. Allele origin: germline. Not counted in ClinVar's aggregate classification.

Counsyl
Classification: Benign for Colorectal cancer, susceptibility to, 12. Last evaluated: 2016-06-07. Review status: no assertion criteria provided. Collection method: clinical testing. Allele origin: unknown. Not counted in ClinVar's aggregate classification.

Clinical Genetics, Academic Medical Center
Classification: Benign. Review status: no assertion criteria provided. Collection method: clinical testing. Allele origin: germline. Affected: yes. Study: VKGL Data-share Consensus. Not counted in ClinVar's aggregate classification.

Department of Pathology and Laboratory Medicine, Sinai Health System
Classification: Benign. Review status: no assertion criteria provided. Collection method: clinical testing. Allele origin: unknown. Affected: yes. Observed: 1 variant allele. Study: The Canadian Open Genetics Repository (COGR). Not counted in ClinVar's aggregate classification.
Comment: The POLE p.Phe695Ile variant was identified in the literature however the frequency of this variant in an affected population was not provided. The variant was also identified in the following databases: dbSNP (ID: rs5744799) as "With Benign, Uncertain significance allele", ClinVar (7x benign), Clinvitae, and Cosmic (1x, confirmed somatic, in carcinoma of the large intestine). The variant was not identified in the MutDB database. The variant was identified in control databases in 3051 of 275744 chromosomes (20 homozygous) at a frequency of 0.01 increasing the likelihood this could be a low frequency benign variant (Genome Aggregation Database Feb 27, 2017). It was observed in the following populations: African in 57 of 24006 chromosomes (freq: 0.002), Other in 75 of 6426 chromosomes (freq: 0.01), Latino in 311 of 34178 chromosomes (freq: 0.009), European in 1804 of 126088 chromosomes (freq: 0.01), Ashkenazi Jewish in 192 of 10038 chromosomes (freq: 0.02), Finnish in 179 of 25696 chromosomes (freq: 0.007), and South Asian in 433 of 30522 chromosomes (freq: 0.01). The variant was not observed in the East Asian population. A yeast-based functional assay found the variant did not significantly affect the function of p.Phe695Ile (Daee 2009). The p.Phe695 residue is conserved in mammals and computational analyses (PolyPhen-2, SIFT, AlignGVGD, BLOSUM, MutationTaster) provide inconsistent predictions regarding the impact to the protein; this information is not very predictive of pathogenicity. The variant occurs outside of the splicing consensus sequence and in silico or computational prediction software programs (SpliceSiteFinder, MaxEntScan, NNSPLICE, GeneSplicer, HumanSpliceFinder) do not predict a difference in splicing. In summary, based on the above information this variant meets our laboratory's criteria to be classified as benign.

Genome Diagnostics Laboratory, Amsterdam University Medical Center
Classification: Benign. Review status: no assertion criteria provided. Collection method: clinical testing. Allele origin: germline. Affected: yes. Study: VKGL Data-share Consensus. Not counted in ClinVar's aggregate classification.

Genome Diagnostics Laboratory, University Medical Center Utrecht
Classification: Benign. Review status: no assertion criteria provided. Collection method: clinical testing. Allele origin: germline. Affected: yes. Study: VKGL Data-share Consensus. Not counted in ClinVar's aggregate classification.

Laboratory of Diagnostic Genome Analysis, Leiden University Medical Center (LUMC)
Classification: Benign. Review status: no assertion criteria provided. Collection method: clinical testing. Allele origin: germline. Affected: yes. Study: VKGL Data-share Consensus. Not counted in ClinVar's aggregate classification.

Literature cited by the submitters: PubMed 32522261 (cited by Mayo Clinic Laboratories, Mayo Clinic); PubMed 19966286 (cited by Counsyl).

NM_006231.4(POLE):c.2083T>A (p.Phe695Ile)

Gene: POLE (DNA polymerase epsilon, catalytic subunit; minus strand). Cytogenetic location: 12q24.33.
Variant type: single nucleotide variant.
Coding change: c.2083T>A on transcript NM_006231.4 (MANE Select); coding-DNA position 2083, T replaced by A.
Protein change: p.Phe695Ile; replaces phenylalanine 695 with isoleucine.
Molecular consequence: missense variant.
Genome position (GRCh38, 1-based): chr12:132,668,446, A>T on the plus strand (T>A on the coding strand, the complement: POLE is on the minus strand). VCF-style: chr12-132668446-A-T. GRCh37 (hg19) VCF-style: chr12-133245032-A-T.
Other names: short protein forms F695I.
Identifiers: ClinVar variation 221179 (VCV000221179.73), dbSNP rs5744799, ClinGen allele CA348155.
Genomic context (GRCh38, chr12:132,668,446, plus strand): 5'-GTTCCTCGCGGGACAGTTCATGAAAGGCCCGAGCTGGCCCCTCTGGGAACAAGGGGGGGA[A>T]CTTCTCTGACTCCAGCTGGTGCTGGATCCGATGGTATTCGCTGCGACTGGCTGGCACTGG-3'
Protein context (NP_006222.2, residues 685-705): RIQHQLESEK[Phe695Ile]PPLFPEGPAR